The following is an entry in ClinVar:

ClinVar aggregate classification (germline): Likely benign. Review status: criteria provided, single submitter (1 of 4 stars). 2 submissions from 2 submitters: Likely benign (1). 1 of the submissions does not count toward it. Last evaluated 2025-08-18.

Conditions:
MYO5B-related disorder. Also called: MYO5B-related condition.

Allele frequency attached by ClinVar (database versions not stated): ExAC 0.00002; gnomAD exomes 0.00003 and 0.00005; gnomAD 0.00007.
gnomAD v4.1: 35 of 1,613,966 alleles (0.0022%); highest among the groups gnomAD compares: Admixed American, 0.042%; no homozygotes.

Submissions (2):

Labcorp Genetics (formerly Invitae), Labcorp
Classification: Likely benign. Last evaluated: 2025-08-18. Review status: criteria provided, single submitter. Criteria: Invitae Variant Classification Sherloc (09022015). Collection method: clinical testing. Allele origin: germline.

PreventionGenetics, part of Exact Sciences
Classification: Likely benign for MYO5B-related condition. Last evaluated: 2021-04-30. Review status: no assertion criteria provided. Collection method: clinical testing. Allele origin: germline. Not counted in ClinVar's aggregate classification.
Comment: This variant is classified as likely benign based on ACMG/AMP sequence variant interpretation guidelines (Richards et al. 2015 PMID: 25741868, with internal and published modifications).

NM_001080467.3(MYO5B):c.636C>A (p.Thr212=)

Gene: MYO5B (myosin VB; minus strand). Cytogenetic location: 18q21.1.
Variant type: single nucleotide variant.
Coding change: c.636C>A on transcript NM_001080467.3 (MANE Select); coding-DNA position 636, C replaced by A.
Protein change: p.Thr212=; no amino-acid change (threonine 212 retained).
Molecular consequence: synonymous variant.
Genome position (GRCh38, 1-based): chr18:49,992,408, G>T on the plus strand (C>A on the coding strand, the complement: MYO5B is on the minus strand). VCF-style: chr18-49992408-G-T. GRCh37 (hg19) VCF-style: chr18-47518778-G-T.
Identifiers: ClinVar variation 717790 (VCV000717790.12), dbSNP rs770542452, ClinGen allele CA8961827.